The following is an entry in ClinVar:

ClinVar aggregate classification (germline): Pathogenic (1 of 4 stars; one submission).

Submission:

Labcorp Genetics (formerly Invitae), Labcorp
Classification: Pathogenic. Last evaluated: 2022-05-31. Review status: criteria provided, single submitter. Criteria: Invitae Variant Classification Sherloc (09022015). Collection method: clinical testing. Allele origin: germline.
Comment: This sequence change creates a premature translational stop signal (p.Ala572Glufs*35) in the EML1 gene. It is expected to result in an absent or disrupted protein product. Loss-of-function variants in EML1 are known to be pathogenic (PMID: 24859200, 31173351). This variant is not present in population databases (gnomAD no frequency). This variant has not been reported in the literature in individuals affected with EML1-related conditions. For these reasons, this variant has been classified as Pathogenic.

Literature cited by the submitters: PubMed 24859200; PubMed 31173351.

NM_004434.3(EML1):c.1715_1735delinsAGAC (p.Ala572fs)

Gene: EML1 (EMAP like 1; plus strand). Cytogenetic location: 14q32.2.
Variant type: Indel.
Coding change: c.1715_1735delinsAGAC on transcript NM_004434.3 (MANE Select); coding-DNA positions 1715 to 1735, CTGTGGGTCACCGTCCCGTCT replaced by AGAC.
Protein change: p.Ala572fs; shifts the reading frame from alanine 572.
Molecular consequence: frameshift variant. On other transcripts: intron variant (1).
Genome position (GRCh38, 1-based): chr14:99,914,660-99,914,680, CTGTGGGTCACCGTCCCGTCT replaced by AGAC. VCF-style: chr14-99914660-CTGTGGGTCACCGTCCCGTCT-AGAC. GRCh37 (hg19) VCF-style: chr14-100380997-CTGTGGGTCACCGTCCCGTCT-AGAC.
Other names: c.1772_1792delinsAGAC, p.Ala591fs (NM_001008707.2); c.1676_1696delinsAGAC, p.Ala559fs (NM_001375411.1); c.1620+356_1620+376delinsAGAC (NM_001375412.1); short protein forms A559fs, A591fs, A572fs.
Identifiers: ClinVar variation 2133786 (VCV002133786.4), dbSNP rs2548883038, ClinGen allele CA2580089082.